The following is an entry in ClinVar:

ClinVar aggregate classification (germline): Uncertain significance. Review status: criteria provided, multiple submitters, no conflicts (2 of 4 stars). 2 submissions from 2 submitters: Uncertain significance (2). Last evaluated 2024-06-14.

Conditions:
Joubert syndrome. Also called: CEREBELLOPARENCHYMAL DISORDER IV; JOUBERT-BOLTSHAUSER SYNDROME; Familial aplasia of the vermis. Identifiers: Orphanet 475, MedGen C5979921, MONDO:0018772.
Meckel-Gruber syndrome. Also called: DYSENCEPHALIA SPLANCHNOCYSTICA; GRUBER SYNDROME; Dysencephalia splachnocystica. Identifiers: Orphanet 564, MedGen C0265215, MONDO:0018921.
Joubert syndrome 28 (JBTS28). Identifiers: MedGen C4310705, MONDO:0014928, OMIM 617121.
Meckel syndrome, type 1 (MKS1). Also called: MECKEL-GRUBER SYNDROME, TYPE 1. Identifiers: Orphanet 564, MedGen C3714506, MONDO:0009571, OMIM 249000.
Bardet-Biedl syndrome 13 (BBS13). Identifiers: Orphanet 110, MedGen C2673873, MONDO:0014441, OMIM 615990.

Submissions (2):

Fulgent Genetics
Classification: Uncertain significance for Meckel syndrome, type 1; Bardet-Biedl syndrome 13; Joubert syndrome 28. Last evaluated: 2024-06-14. Review status: criteria provided, single submitter. Criteria: ACMG Guidelines, 2015. Collection method: clinical testing. Allele origin: germline.

Labcorp Genetics (formerly Invitae), Labcorp
Classification: Uncertain significance for Joubert syndrome; Meckel-Gruber syndrome. Last evaluated: 2021-10-27. Review status: criteria provided, single submitter. Criteria: Invitae Variant Classification Sherloc (09022015). Collection method: clinical testing. Allele origin: germline.
Comment: This sequence change replaces threonine, which is neutral and polar, with isoleucine, which is neutral and non-polar, at codon 487 of the MKS1 protein (p.Thr487Ile). This variant is not present in population databases (gnomAD no frequency). This variant has not been reported in the literature in individuals affected with MKS1-related conditions. Algorithms developed to predict the effect of missense changes on protein structure and function are either unavailable or do not agree on the potential impact of this missense change (SIFT: "Deleterious"; PolyPhen-2: "Possibly Damaging"; Align-GVGD: "Class C0"). In summary, the available evidence is currently insufficient to determine the role of this variant in disease. Therefore, it has been classified as a Variant of Uncertain Significance.

NM_017777.4(MKS1):c.1460C>T (p.Thr487Ile)

Gene: MKS1 (MKS transition zone complex subunit 1; minus strand). Cytogenetic location: 17q22.
Variant type: single nucleotide variant.
Coding change: c.1460C>T on transcript NM_017777.4 (MANE Select); coding-DNA position 1460, C replaced by T.
Protein change: p.Thr487Ile; replaces threonine 487 with isoleucine.
Molecular consequence: missense variant. On other transcripts: intron variant (2).
Genome position (GRCh38, 1-based): chr17:58,206,495, G>A on the plus strand (C>T on the coding strand, the complement: MKS1 is on the minus strand). VCF-style: chr17-58206495-G-A. GRCh37 (hg19) VCF-style: chr17-56283856-G-A.
Other names: c.851C>T, p.Thr284Ile (NM_001321268.2); c.1274-115C>T (NM_001330397.2); c.1408-115C>T (NM_001321269.2); short protein forms T487I, T284I.
Identifiers: ClinVar variation 1345285 (VCV001345285.4), dbSNP rs2143737729, ClinGen allele CA400324681.
Genomic context (GRCh38, chr17:58,206,495, plus strand): 5'-TGCCCTGAGGCAGAGGGCCAAGTCACTCACCTGGACTGCTGCAGACAGTGCAAGCGGAAG[G>A]TGACAGTGCCTGTGGTCTCTGTGCGGAGTCCAAAGCGGCTCAGGCGTTCCCCCTGTGGCA-3'
Protein context (NP_060247.2, residues 477-497): GLRTETTGTV[Thr487Ile]FRLHCLQQSR